The following is an entry in ClinVar:

NM_006567.5(FARS2):c.904+3A>G

Gene: FARS2 (phenylalanyl-tRNA synthetase 2, mitochondrial; plus strand). Cytogenetic location: 6p25.1.
Variant type: single nucleotide variant.
Coding change: c.904+3A>G on transcript NM_006567.5 (MANE Select); 3 bases into the intron after coding-DNA position 904, A replaced by G.
Molecular consequence: intron variant.
Genome position (GRCh38, 1-based): chr6:5,431,175, A>G. VCF-style: chr6-5431175-A-G. GRCh37 (hg19) VCF-style: chr6-5431408-A-G.
Other names: c.904+3A>G (NM_001374878.1, NM_001318872.2, NM_001374877.1 and 4 more transcripts); c.772+26474A>G (NM_001375258.1); c.208+3A>G (NM_001375260.1, NM_001375259.1).
Identifiers: ClinVar variation 1054586 (VCV001054586.4), dbSNP rs1034582028, ClinGen allele CA134318112.

ClinVar aggregate classification (germline): Uncertain significance (1 of 4 stars; one submission).

Conditions:
Combined oxidative phosphorylation defect type 14. Also called: Combined oxidative phosphorylation deficiency 14. Identifiers: Orphanet 319519, MedGen C4755312, MONDO:0013986, OMIM 614946.

Allele frequency attached by ClinVar (database versions not stated): TOPMed 0.00002.
gnomAD v4.1: 9 of 1,613,102 alleles (0.00056%); highest among the groups gnomAD compares: East Asian, 0.011%; no homozygotes.

Submission:

Labcorp Genetics (formerly Invitae), Labcorp
Classification: Uncertain significance for Combined oxidative phosphorylation defect type 14. Last evaluated: 2021-12-03. Review status: criteria provided, single submitter. Criteria: Invitae Variant Classification Sherloc (09022015). Collection method: clinical testing. Allele origin: germline.
Comment: This sequence change falls in intron 4 of the FARS2 gene. It does not directly change the encoded amino acid sequence of the FARS2 protein. It affects a nucleotide within the consensus splice site. This variant is not present in population databases (gnomAD no frequency). This variant has not been reported in the literature in individuals affected with FARS2-related conditions. ClinVar contains an entry for this variant (Variation ID: 1054586). Variants that disrupt the consensus splice site are a relatively common cause of aberrant splicing (PMID: 17576681, 9536098). Algorithms developed to predict the effect of sequence changes on RNA splicing suggest that this variant may disrupt the consensus splice site. In summary, the available evidence is currently insufficient to determine the role of this variant in disease. Therefore, it has been classified as a Variant of Uncertain Significance.

Literature cited by the submitters: PubMed 17576681; PubMed 9536098.